The following is an entry in ClinVar:

NM_170606.3(KMT2C):c.5164C>A (p.Gln1722Lys)

Gene: KMT2C (lysine methyltransferase 2C; minus strand). Cytogenetic location: 7q36.1.
Variant type: single nucleotide variant.
Coding change: c.5164C>A on transcript NM_170606.3 (MANE Select); coding-DNA position 5164, C replaced by A.
Protein change: p.Gln1722Lys; replaces glutamine 1722 with lysine.
Molecular consequence: missense variant.
Genome position (GRCh38, 1-based): chr7:152,183,075, G>T on the plus strand (C>A on the coding strand, the complement: KMT2C is on the minus strand). VCF-style: chr7-152183075-G-T. GRCh37 (hg19) VCF-style: chr7-151880160-G-T.
Other names: short protein forms Q1722K.
Identifiers: ClinVar variation 2507289 (VCV002507289.2), dbSNP rs2129121539, ClinGen allele CA370100136.

ClinVar aggregate classification (germline): Uncertain significance (1 of 4 stars; one submission).

Submission:

GeneDx
Classification: Uncertain significance. Last evaluated: 2024-04-22. Review status: criteria provided, single submitter. Criteria: GeneDx Variant Classification Process June 2021. Collection method: clinical testing. Allele origin: germline. Affected: yes.
Comment: Not observed at significant frequency in large population cohorts (gnomAD); In silico analysis indicates that this missense variant does not alter protein structure/function; Has not been previously published as pathogenic or benign to our knowledge